The following is an entry in ClinVar:

NM_002234.4(KCNA5):c.776T>A (p.Val259Asp)

Gene: KCNA5 (potassium voltage-gated channel subfamily A member 5; plus strand). Cytogenetic location: 12p13.32.
Variant type: single nucleotide variant.
Coding change: c.776T>A on transcript NM_002234.4 (MANE Select); coding-DNA position 776, T replaced by A.
Protein change: p.Val259Asp; replaces valine 259 with aspartic acid.
Molecular consequence: missense variant.
Genome position (GRCh38, 1-based): chr12:5,044,923, T>A. VCF-style: chr12-5044923-T-A. GRCh37 (hg19) VCF-style: chr12-5154089-T-A.
Other names: short protein forms V259D.
Identifiers: ClinVar variation 3660839 (VCV003660839.2).

ClinVar aggregate classification (germline): Uncertain significance (1 of 4 stars; one submission).

Conditions:
Atrial fibrillation, familial, 7 (ATFB7). Identifiers: MedGen C2677106, MONDO:0012828, OMIM 612240.

Submission:

Labcorp Genetics (formerly Invitae), Labcorp
Classification: Uncertain significance for Atrial fibrillation, familial, 7. Last evaluated: 2024-10-06. Review status: criteria provided, single submitter. Criteria: Invitae Variant Classification Sherloc (09022015). Collection method: clinical testing. Allele origin: germline.
Comment: This sequence change replaces valine, which is neutral and non-polar, with aspartic acid, which is acidic and polar, at codon 259 of the KCNA5 protein (p.Val259Asp). This variant is not present in population databases (gnomAD no frequency). This variant has not been reported in the literature in individuals affected with KCNA5-related conditions. Invitae Evidence Modeling of protein sequence and biophysical properties (such as structural, functional, and spatial information, amino acid conservation, physicochemical variation, residue mobility, and thermodynamic stability) indicates that this missense variant is expected to disrupt KCNA5 protein function with a positive predictive value of 80%. In summary, the available evidence is currently insufficient to determine the role of this variant in disease. Therefore, it has been classified as a Variant of Uncertain Significance.